The following is an entry in ClinVar:

NM_001244008.2(KIF1A):c.3043G>A (p.Asp1015Asn)

Gene: KIF1A (kinesin family member 1A; minus strand). Cytogenetic location: 2q37.3.
Variant type: single nucleotide variant.
Coding change: c.3043G>A on transcript NM_001244008.2 (MANE Select); coding-DNA position 3043, G replaced by A.
Protein change: p.Asp1015Asn; replaces aspartic acid 1015 with asparagine.
Molecular consequence: missense variant.
Genome position (GRCh38, 1-based): chr2:240,747,256, C>T on the plus strand (G>A on the coding strand, the complement: KIF1A is on the minus strand). VCF-style: chr2-240747256-C-T. GRCh37 (hg19) VCF-style: chr2-241686673-C-T.
Other names: c.2767G>A, p.Asp923Asn (NM_001320705.2, NM_001330289.2, NM_001379638.1); c.2842G>A, p.Asp948Asn (NM_001330290.2, NM_001379634.1, NM_001379635.1 and 1 more transcripts); c.3118G>A, p.Asp1040Asn (NM_001379631.1); c.2992G>A, p.Asp998Asn (NM_001379632.1); c.3016G>A, p.Asp1006Asn (NM_001379633.1, NM_001379642.1, NM_001379645.1); c.2740G>A, p.Asp914Asn (NM_001379636.1, NM_001379639.1, NM_001379640.1 and 6 more transcripts); c.2815G>A, p.Asp939Asn (NM_001379637.1, NM_001379648.1); short protein forms D1006N, D1015N, D1040N, D914N, D923N, D939N, D948N, D998N.
Identifiers: ClinVar variation 1690823 (VCV001690823.2), dbSNP rs1559497087, ClinGen allele CA351319213.

ClinVar aggregate classification (germline): Uncertain significance (1 of 4 stars; one submission).

Allele frequency attached by ClinVar (database versions not stated): gnomAD exomes below 0.00001 and 0.00001.
gnomAD v4.1: 5 of 1,613,488 alleles (0.00031%); highest among the groups gnomAD compares: Non-Finnish European, 0.00042%; no homozygotes.

Submission:

Laboratorio de Genetica e Diagnostico Molecular, Hospital Israelita Albert Einstein
Classification: Uncertain significance. Last evaluated: 2020-02-26. Review status: criteria provided, single submitter. Criteria: ACMG Guidelines, 2015. Collection method: clinical testing. Allele origin: germline. Affected: yes.
Comment: ACMG classification criteria: PM2, BP4